The following is an entry in ClinVar:

NM_001385.3(DPYS):c.202A>G (p.Thr68Ala)

Gene: DPYS (dihydropyrimidinase; minus strand). Cytogenetic location: 8q22.3.
Variant type: single nucleotide variant.
Coding change: c.202A>G on transcript NM_001385.3 (MANE Select); coding-DNA position 202, A replaced by G.
Protein change: p.Thr68Ala; replaces threonine 68 with alanine.
Molecular consequence: missense variant.
Genome position (GRCh38, 1-based): chr8:104,466,719, T>C on the plus strand (A>G on the coding strand, the complement: DPYS is on the minus strand). VCF-style: chr8-104466719-T-C. GRCh37 (hg19) VCF-style: chr8-105478947-T-C.
Other names: short protein forms T68A.
Identifiers: ClinVar variation 1899092 (VCV001899092.5), dbSNP rs761374401, ClinGen allele CA4838624.
Genomic context (GRCh38, chr8:104,466,719, plus strand): 5'-TGGTGCCCTGGTGGAAGTCGTCGATGGACCGCGAGCCCATGAAGGGGAACTGCATGTGCG[T>C]GTGTGTGTCGATGCCTCCGGGCAGGACGAGCTTGCCGGCGGCGTCGAGGACCCGCAGCCC-3'
Protein context (NP_001376.1, residues 58-78): LVLPGGIDTH[Thr68Ala]HMQFPFMGSR

ClinVar aggregate classification (germline): Uncertain significance (1 of 4 stars; one submission).

Allele frequency attached by ClinVar (database versions not stated): TOPMed 0.00001; gnomAD 0.00002; ExAC 0.00008.
gnomAD v4.1: 9 of 1,534,576 alleles (0.00059%); highest among the groups gnomAD compares: Admixed American, 0.0059%; no homozygotes.

Submission:

Labcorp Genetics (formerly Invitae), Labcorp
Classification: Uncertain significance. Last evaluated: 2025-12-08. Review status: criteria provided, single submitter. Criteria: Invitae Variant Classification Sherloc (09022015). Collection method: clinical testing. Allele origin: germline.
Comment: This sequence change replaces threonine, which is neutral and polar, with alanine, which is neutral and non-polar, at codon 68 of the DPYS protein (p.Thr68Ala). This variant is present in population databases (rs761374401, gnomAD 0.009%). This variant has not been reported in the literature in individuals affected with DPYS-related conditions. ClinVar contains an entry for this variant (Variation ID: 1899092). Invitae Evidence Modeling of protein sequence and biophysical properties (such as structural, functional, and spatial information, amino acid conservation, physicochemical variation, residue mobility, and thermodynamic stability) indicates that this missense variant is expected to disrupt DPYS protein function with a positive predictive value of 80%. In summary, the available evidence is currently insufficient to determine the role of this variant in disease. Therefore, it has been classified as a Variant of Uncertain Significance.